The following is an entry in ClinVar:

ClinVar aggregate classification (germline): Uncertain significance (1 of 4 stars; one submission).

Conditions:
Severe myoclonic epilepsy in infancy (DRVT). Also called: SEVERE MYOCLONIC EPILEPSY OF INFANCY; DEVELOPMENTAL AND EPILEPTIC ENCEPHALOPATHY 6A; Severe Myoclonic Epilepsy in Infancy (SMEI); Epileptic encephalopathy, early infantile, 6 (Dravet syndrome); Dravet syndrome. Identifiers: Orphanet 33069, MedGen C0751122, MONDO:0100135, OMIM 607208.

Allele frequency attached by ClinVar (database versions not stated): gnomAD exomes below 0.00001.
gnomAD v4.1: 1 of 1,614,134 alleles (0.000062%); highest among the groups gnomAD compares: South Asian, 0.0011%; no homozygotes.

Submission:

Labcorp Genetics (formerly Invitae), Labcorp
Classification: Uncertain significance for Severe myoclonic epilepsy in infancy. Last evaluated: 2021-11-06. Review status: criteria provided, single submitter. Criteria: Invitae Variant Classification Sherloc (09022015). Collection method: clinical testing. Allele origin: germline.
Comment: In summary, the available evidence is currently insufficient to determine the role of this variant in disease. Therefore, it has been classified as a Variant of Uncertain Significance. Algorithms developed to predict the effect of missense changes on protein structure and function are either unavailable or do not agree on the potential impact of this missense change (SIFT: "Deleterious"; PolyPhen-2: "Benign"; Align-GVGD: "Class C0"). This variant has not been reported in the literature in individuals affected with SNX27-related conditions. This variant is not present in population databases (gnomAD no frequency). This sequence change replaces leucine, which is neutral and non-polar, with phenylalanine, which is neutral and non-polar, at codon 150 of the SNX27 protein (p.Leu150Phe).

NM_001330723.2(SNX27):c.450G>T (p.Leu150Phe)

Gene: SNX27 (sorting nexin 27; plus strand). Cytogenetic location: 1q21.3.
Variant type: single nucleotide variant.
Coding change: c.450G>T on transcript NM_001330723.2 (MANE Select); coding-DNA position 450, G replaced by T.
Protein change: p.Leu150Phe; replaces leucine 150 with phenylalanine.
Molecular consequence: missense variant.
Genome position (GRCh38, 1-based): chr1:151,639,026, G>T. VCF-style: chr1-151639026-G-T. GRCh37 (hg19) VCF-style: chr1-151611502-G-T.
Other names: c.450G>T, p.Leu150Phe (NM_030918.6); short protein forms L150F.
Identifiers: ClinVar variation 1391853 (VCV001391853.6), dbSNP rs2102633311, ClinGen allele CA341982352.